The following is an entry in ClinVar:

ClinVar aggregate classification (germline): Pathogenic (1 of 4 stars; one submission).

Allele frequency attached by ClinVar (database versions not stated): gnomAD exomes below 0.00001; TOPMed 0.00001; ExAC 0.00002.

Submission:

Labcorp Genetics (formerly Invitae), Labcorp
Classification: Pathogenic. Last evaluated: 2022-09-26. Review status: criteria provided, single submitter. Criteria: Invitae Variant Classification Sherloc (09022015). Collection method: clinical testing. Allele origin: germline.
Comment: This variant has not been reported in the literature in individuals affected with FAM161A-related conditions. This variant is present in population databases (rs759365400, gnomAD 0.006%). This sequence change creates a premature translational stop signal (p.Trp203*) in the FAM161A gene. It is expected to result in an absent or disrupted protein product. Loss-of-function variants in FAM161A are known to be pathogenic (PMID: 20705278, 20705279, 24651477). ClinVar contains an entry for this variant (Variation ID: 1452779). For these reasons, this variant has been classified as Pathogenic.

Literature cited by the submitters: PubMed 20705278; PubMed 20705279; PubMed 24651477.

NM_001201543.2(FAM161A):c.608G>A (p.Trp203Ter)

Gene: FAM161A (FAM161 centrosomal protein A; minus strand). Cytogenetic location: 2p15.
Variant type: single nucleotide variant.
Coding change: c.608G>A on transcript NM_001201543.2 (MANE Select); coding-DNA position 608, G replaced by A.
Protein change: p.Trp203Ter; replaces tryptophan 203 with a stop codon.
Molecular consequence: nonsense. On other transcripts: non-coding transcript variant (1).
Genome position (GRCh38, 1-based): chr2:61,840,396, C>T on the plus strand (G>A on the coding strand, the complement: FAM161A is on the minus strand). VCF-style: chr2-61840396-C-T. GRCh37 (hg19) VCF-style: chr2-62067531-C-T.
Other names: c.608G>A, p.Trp203Ter (NM_032180.3); short protein forms W203*.
Identifiers: ClinVar variation 1452779 (VCV001452779.6), dbSNP rs759365400, ClinGen allele CA1679318.
Genomic context (GRCh38, chr2:61,840,396, plus strand): 5'-TCAGCTGCATGGAAGCCAGTATCTTTACAGCGAATATAATCCTCAACACAAAAGTCTGTC[C>T]ACATATTGTTGATGAGCTCCTTAGCATAGGTCATCATTCTGTTTTTCCTAGGATACTCTT-3'